The following is an entry in ClinVar:

NM_024747.6(HPS6):c.27del (p.Leu10fs)

Genes: HPS6 (HPS6 biogenesis of lysosomal organelles complex 2 subunit 3; plus strand), LOC130004578 (ATAC-STARR-seq lymphoblastoid silent region 2738; plus strand). Cytogenetic location: 10q24.32.
Variant type: Deletion.
Coding change: c.27del on transcript NM_024747.6 (MANE Select); coding-DNA position 27, one base deleted (G; older notation c.27delG).
Protein change: p.Leu10fs; shifts the reading frame from leucine 10.
Molecular consequence: frameshift variant.
Genome position (GRCh38, 1-based): chr10:102,065,501, G deleted. VCF-style (leftmost placement, unchanged base first): chr10-102065500-TG-T. GRCh37 (hg19) VCF-style: chr10-103825257-TG-T.
Other names: short protein forms L10fs.
Identifiers: ClinVar variation 2693547 (VCV002693547.4), dbSNP rs2540985942, ClinGen allele CA2697558728.
Genomic context (GRCh38, chr10:102,065,500, plus strand): 5'-GGCAAAGCCTGGGCGCGCTCCCGCGCAGCGGCGCCATGAAGCGCTCGGGGACTCTGCGGC[TG>T]CTCTCGGACCTGAGCGCCTTCGGCGGCGCGGCGCGGCTCCGGGAGCTGGTGGCCGGGGAC-3'

ClinVar aggregate classification (germline): Pathogenic/Likely pathogenic. Review status: criteria provided, multiple submitters, no conflicts (2 of 4 stars). 2 submissions from 2 submitters: Pathogenic (1); Likely pathogenic (1). Last evaluated 2024-06-20.

Conditions:
Hermansky-Pudlak syndrome 6 (HPS6). Identifiers: Orphanet 231512, Orphanet 79430, MedGen C3888007, MONDO:0013558, OMIM 614075.

Submissions (2):

Fulgent Genetics
Classification: Likely pathogenic for Hermansky-Pudlak syndrome 6. Last evaluated: 2024-06-20. Review status: criteria provided, single submitter. Criteria: ACMG Guidelines, 2015. Collection method: clinical testing. Allele origin: germline.

Labcorp Genetics (formerly Invitae), Labcorp
Classification: Pathogenic. Last evaluated: 2023-11-05. Review status: criteria provided, single submitter. Criteria: Invitae Variant Classification Sherloc (09022015). Collection method: clinical testing. Allele origin: germline.
Comment: This sequence change creates a premature translational stop signal (p.Leu10Serfs*4) in the HPS6 gene. While this is not anticipated to result in nonsense mediated decay, it is expected to disrupt the last 766 amino acid(s) of the HPS6 protein. This variant is not present in population databases (gnomAD no frequency). This variant has not been reported in the literature in individuals affected with HPS6-related conditions. This variant disrupts a region of the HPS6 protein in which other variant(s) (p.Q680*) have been determined to be pathogenic (PMID: 27225848). This suggests that this is a clinically significant region of the protein, and that variants that disrupt it are likely to be disease-causing. For these reasons, this variant has been classified as Pathogenic.

Literature cited by the submitters: PubMed 27225848 (cited by Labcorp Genetics (formerly Invitae), Labcorp).